The following is an entry in ClinVar:

NM_017649.5(CNNM2):c.809G>T (p.Gly270Val)

Gene: CNNM2 (cyclin and CBS domain divalent metal cation transport mediator 2; plus strand). Cytogenetic location: 10q24.32.
Variant type: single nucleotide variant.
Coding change: c.809G>T on transcript NM_017649.5 (MANE Select); coding-DNA position 809, G replaced by T.
Protein change: p.Gly270Val; replaces glycine 270 with valine.
Molecular consequence: missense variant.
Genome position (GRCh38, 1-based): chr10:102,919,289, G>T. VCF-style: chr10-102919289-G-T. GRCh37 (hg19) VCF-style: chr10-104679046-G-T.
Other names: c.809G>T, p.Gly270Val (NM_199076.3, NM_199077.3); short protein forms G270V.
Identifiers: ClinVar variation 4532095 (VCV004532095.1).

ClinVar aggregate classification (germline): Uncertain significance (1 of 4 stars; one submission).

Conditions:
Renal hypomagnesemia 6. Identifiers: Orphanet 34527, MedGen C3151295, MONDO:0013480, OMIM 613882.

Submission:

Victorian Clinical Genetics Services, Murdoch Childrens Research Institute
Classification: Uncertain significance for Renal hypomagnesemia 6. Last evaluated: 2025-05-12. Review status: criteria provided, single submitter. Criteria: ACMG Guidelines, 2015. Collection method: clinical testing. Allele origin: germline. Affected: yes.
Comment: This variant is classified as VUS-3A. Evidence in support of pathogenic classification: Variant is absent from gnomAD (v2, v3 and v4); Missense variant in a region that is highly intolerant to missense variation (high constraint region in DECIPHER); Missense variant predicted to be damaging by in silico tool(s) or highly conserved with a major amino acid change. Additional information: Variant is predicted to result in a missense amino acid change from glycine to valine; This variant is heterozygous; This gene is associated with both recessive and dominant disease. Autosomal dominant variants have a milder phenotype than autosomal recessive variants, which tend to be more severe with congenital onset of seizures (OMIM, PMIDs: 34604137, 24699222); Alternative amino acid change(s) at the same position are present in gnomAD (highest allele count: v4: 1 heterozygote(s), 0 homozygote(s)) ; This variant has no previous evidence of pathogenicity; No published segregation evidence has been identified for this variant; No published functional evidence has been identified for this variant; No comparable missense variants have previous evidence for pathogenicity; Loss of function is a known mechanism of disease in this gene and is associated with hypomagnesaemia, seizures, and impaired intellectual development 1 (MIM#616418) and hypomagnesaemia renal 6 (MIM#613882); Inheritance information for this variant is not currently available in this individual.

Literature cited by the submitters: PubMed 34604137; PubMed 24699222.